The following is an entry in ClinVar:

NM_016169.4(SUFU):c.1057A>T (p.Thr353Ser)

Gene: SUFU (SUFU negative regulator of hedgehog signaling; plus strand). Cytogenetic location: 10q24.32.
Variant type: single nucleotide variant.
Coding change: c.1057A>T on transcript NM_016169.4 (MANE Select); coding-DNA position 1057, A replaced by T.
Protein change: p.Thr353Ser; replaces threonine 353 with serine.
Molecular consequence: missense variant.
Genome position (GRCh38, 1-based): chr10:102,615,302, A>T. VCF-style: chr10-102615302-A-T. GRCh37 (hg19) VCF-style: chr10-104375059-A-T.
Other names: c.1057A>T, p.Thr353Ser (NM_001178133.2); short protein forms T353S.
Identifiers: ClinVar variation 453949 (VCV000453949.9), dbSNP rs1043574191, ClinGen allele CA212240725.
Genomic context (GRCh38, chr10:102,615,302, plus strand): 5'-AACCTTTTCCTGTGCTTGCTTCACAGGAGCCGCAAAGACAGCCTGGAAAGTGACAGCTCC[A>T]CGGCCATCATTCCCCATGAGCTGATTCGCACGCGGCAGCTTGAGAGCGTACATCTGAAAT-3'
Protein context (NP_057253.2, residues 343-363): RKDSLESDSS[Thr353Ser]AIIPHELIRT

ClinVar aggregate classification (germline): Uncertain significance. Review status: criteria provided, multiple submitters, no conflicts (2 of 4 stars). 3 submissions from 3 submitters: Uncertain significance (3). Last evaluated 2026-07-06.

Conditions:
Gorlin syndrome. Also called: Nevoid Basal Cell Carcinoma Syndrome; Basal cell nevus syndrome. Identifiers: Orphanet 377, MedGen C0004779, MONDO:0007187.
Medulloblastoma (MDB). Also called: Medulloblastoma, somatic; MEDULLOBLASTOMA PREDISPOSITION SYNDROME. Identifiers: Orphanet 616, MedGen C0025149, MeSH D008527, MONDO:0007959, OMIM 155255, HP:0002885.
Hereditary cancer-predisposing syndrome. Also called: Neoplastic Syndromes, Hereditary; Hereditary neoplastic syndrome; Hereditary Cancer Syndrome; Tumor predisposition. Identifiers: Orphanet 140162, MedGen C0027672, MeSH D009386, MONDO:0015356.

Submissions (3):

Ambry Genetics
Classification: Uncertain significance for Hereditary cancer-predisposing syndrome. Last evaluated: 2026-07-06. Review status: criteria provided, single submitter. Criteria: Ambry Variant Classification Scheme 2023. Collection method: clinical testing. Allele origin: germline.
Comment: The p.T353S variant (also known as c.1057A>T), located in coding exon 9 of the SUFU gene, results from an A to T substitution at nucleotide position 1057. The threonine at codon 353 is replaced by serine, an amino acid with similar properties. This amino acid position is conserved. In addition, this alteration is predicted to be tolerated by in silico analysis. Based on the available evidence, the clinical significance of this variant remains unclear.

GeneDx
Classification: Uncertain significance. Last evaluated: 2023-04-04. Review status: criteria provided, single submitter. Criteria: GeneDx Variant Classification Process June 2021. Collection method: clinical testing. Allele origin: germline. Affected: yes.
Comment: Not observed at significant frequency in large population cohorts (gnomAD); In silico analysis supports that this missense variant does not alter protein structure/function; Has not been previously published as pathogenic or benign to our knowledge

Labcorp Genetics (formerly Invitae), Labcorp
Classification: Uncertain significance for Gorlin syndrome; Medulloblastoma. Last evaluated: 2022-03-29. Review status: criteria provided, single submitter. Criteria: Invitae Variant Classification Sherloc (09022015). Collection method: clinical testing. Allele origin: germline.
Comment: In summary, the available evidence is currently insufficient to determine the role of this variant in disease. Therefore, it has been classified as a Variant of Uncertain Significance. Algorithms developed to predict the effect of missense changes on protein structure and function (SIFT, PolyPhen-2, Align-GVGD) all suggest that this variant is likely to be tolerated. ClinVar contains an entry for this variant (Variation ID: 453949). This variant has not been reported in the literature in individuals affected with SUFU-related conditions. This variant is not present in population databases (gnomAD no frequency). This sequence change replaces threonine, which is neutral and polar, with serine, which is neutral and polar, at codon 353 of the SUFU protein (p.Thr353Ser).